The following is an entry in ClinVar:

NM_006206.6(PDGFRA):c.1979T>C (p.Leu660Ser)

Gene: PDGFRA (platelet derived growth factor receptor alpha; plus strand). Cytogenetic location: 4q12.
Variant type: single nucleotide variant.
Coding change: c.1979T>C on transcript NM_006206.6 (MANE Select); coding-DNA position 1979, T replaced by C.
Protein change: p.Leu660Ser; replaces leucine 660 with serine.
Molecular consequence: missense variant.
Genome position (GRCh38, 1-based): chr4:54,277,983, T>C. VCF-style: chr4-54277983-T-C. GRCh37 (hg19) VCF-style: chr4-55144150-T-C.
Other names: c.1979T>C, p.Leu660Ser (NM_001347827.2, NM_001347829.2); c.2054T>C, p.Leu685Ser (NM_001347828.2); c.2018T>C, p.Leu673Ser (NM_001347830.2); short protein forms L660S, L673S, L685S.
Identifiers: ClinVar variation 4861743 (VCV004861743.1).

ClinVar aggregate classification (germline): Uncertain significance (1 of 4 stars; one submission).

Conditions:
Hereditary cancer-predisposing syndrome. Also called: Neoplastic Syndromes, Hereditary; Tumor predisposition; Hereditary Cancer Syndrome; Hereditary neoplastic syndrome. Identifiers: Orphanet 140162, MedGen C0027672, MeSH D009386, MONDO:0015356.

Submission:

Ambry Genetics
Classification: Uncertain significance for Hereditary cancer-predisposing syndrome. Last evaluated: 2026-05-12. Review status: criteria provided, single submitter. Criteria: Ambry Variant Classification Scheme 2023. Collection method: clinical testing. Allele origin: germline.
Comment: The p.L660S variant (also known as c.1979T>C), located in coding exon 13 of the PDGFRA gene, results from a T to C substitution at nucleotide position 1979. The leucine at codon 660 is replaced by serine, an amino acid with dissimilar properties. This amino acid position is highly conserved in available vertebrate species. In addition, this alteration is predicted to be deleterious by in silico analysis. The evidence for this gene-disease relationship is limited; therefore, the clinical significance of this variant is unclear.